The following is an entry in ClinVar:

NM_003632.3(CNTNAP1):c.571G>A (p.Val191Ile)

Gene: CNTNAP1 (contactin associated protein 1; plus strand). Cytogenetic location: 17q21.2.
Variant type: single nucleotide variant.
Coding change: c.571G>A on transcript NM_003632.3 (MANE Select); coding-DNA position 571, G replaced by A.
Protein change: p.Val191Ile; replaces valine 191 with isoleucine.
Molecular consequence: missense variant.
Genome position (GRCh38, 1-based): chr17:42,685,276, G>A. VCF-style: chr17-42685276-G-A. GRCh37 (hg19) VCF-style: chr17-40837294-G-A.
Other names: short protein forms V191I.
Identifiers: ClinVar variation 1969513 (VCV001969513.5), dbSNP rs766195304, ClinGen allele CA8581563.

ClinVar aggregate classification (germline): Uncertain significance (1 of 4 stars; one submission).

Allele frequency attached by ClinVar (database versions not stated): TOPMed below 0.00001; ExAC 0.00002.

Submission:

Labcorp Genetics (formerly Invitae), Labcorp
Classification: Uncertain significance. Last evaluated: 2024-01-22. Review status: criteria provided, single submitter. Criteria: Invitae Variant Classification Sherloc (09022015). Collection method: clinical testing. Allele origin: germline.
Comment: This sequence change replaces valine, which is neutral and non-polar, with isoleucine, which is neutral and non-polar, at codon 191 of the CNTNAP1 protein (p.Val191Ile). This variant is present in population databases (rs766195304, gnomAD 0.03%). This variant has not been reported in the literature in individuals affected with CNTNAP1-related conditions. ClinVar contains an entry for this variant (Variation ID: 1969513). An algorithm developed to predict the effect of missense changes on protein structure and function (PolyPhen-2) suggests that this variant is likely to be tolerated. In summary, the available evidence is currently insufficient to determine the role of this variant in disease. Therefore, it has been classified as a Variant of Uncertain Significance.